The following is an entry in ClinVar:

ClinVar aggregate classification (germline): Likely pathogenic (3 of 4 stars; one submission).

Conditions:
Glanzmann thrombasthenia. Also called: BLEEDING DISORDER, PLATELET-TYPE, 2; THROMBASTHENIA OF GLANZMANN AND NAEGELI; PLATELET GLYCOPROTEIN IIb-IIIa DEFICIENCY; Thrombasthenia; Glanzmann's thrombasthenia. Identifiers: Orphanet 849, MedGen C0040015, MONDO:0100326.

Allele frequency attached by ClinVar (database versions not stated): gnomAD exomes below 0.00001.
gnomAD v4.1: 1 of 1,614,052 alleles (0.000062%); highest among the groups gnomAD compares: South Asian, 0.0011%; no homozygotes.

Submission:

ClinGen Platelet Disorders Variant Curation Expert Panel, ClinGen
Classification: Likely pathogenic for Glanzmann thrombasthenia. Last evaluated: 2024-08-20. Review status: reviewed by expert panel. Criteria: ClinGen Platelet ACMG Specifications v2-1. Collection method: curation. Allele origin: germline. Inheritance: Autosomal recessive inheritance.
Comment: The ITGA2B missense variant NM_000419.5:c.641T>G replaces the leucine residue with an arginine residue (p.Leu214Arg). This variant has been observed in homozygosity in a proband (Patient B, PMID: 26096001; PM3_supporting) with a phenotype specific for Glanzmann's thrombasthenia (GT), including a history of bleeding and impaired aggregation to at least two agonists, but normal or only mildly reduced agglutination with ristocetin (PP4_Moderate). This variant has not been reported in population databases, including gnomADv4.1.0 (PM2_supporting) and is predicted to be damaging by in silico tools (REVEL score 0.797; PP3). Furthermore, a different missense change at this amino acid residue (ITGA2B c.641T>C (p.Leu214Pro)) is classified as pathogenic by the Platelet Disorders VCEP (PM5). In summary, this variant meets criteria to be classified as likely pathogenic for GT. GT-specific criteria applied: PM2_supporting, PM3_supporting, PM5, PP4_moderate, PP3.

NM_000419.5(ITGA2B):c.641T>G (p.Leu214Arg)

Gene: ITGA2B (integrin subunit alpha 2b; minus strand). Cytogenetic location: 17q21.31.
Variant type: single nucleotide variant.
Coding change: c.641T>G on transcript NM_000419.5 (MANE Select); coding-DNA position 641, T replaced by G.
Protein change: p.Leu214Arg; replaces leucine 214 with arginine.
Molecular consequence: missense variant.
Genome position (GRCh38, 1-based): chr17:44,385,193, A>C on the plus strand (T>G on the coding strand, the complement: ITGA2B is on the minus strand). VCF-style: chr17-44385193-A-C. GRCh37 (hg19) VCF-style: chr17-42462561-A-C.
Other names: short protein forms L214R.
Identifiers: ClinVar variation 1210203 (VCV001210203.2), dbSNP rs137852911, ClinGen allele CA399805518.